The following is an entry in ClinVar:

NM_000038.6(APC):c.7260T>G (p.Ser2420=)

Gene: APC (APC regulator of Wnt signaling pathway; plus strand). Cytogenetic location: 5q22.2.
Variant type: single nucleotide variant.
Coding change: c.7260T>G on transcript NM_000038.6 (MANE Select); coding-DNA position 7260, T replaced by G.
Protein change: p.Ser2420=; no amino-acid change (serine 2420 retained).
Molecular consequence: synonymous variant. On other transcripts: non-coding transcript variant (2).
Genome position (GRCh38, 1-based): chr5:112,842,854, T>G. VCF-style: chr5-112842854-T-G. GRCh37 (hg19) VCF-style: chr5-112178551-T-G.
Other names: c.7260T>G, p.Ser2420= (NM_001127510.3, NM_001354895.2, NM_001407450.1); c.7206T>G, p.Ser2402= (NM_001127511.3); c.7314T>G, p.Ser2438= (NM_001354896.2, NM_001407447.1, NM_001407448.1 and 1 more transcripts); c.7290T>G, p.Ser2430= (NM_001354897.2); c.7185T>G, p.Ser2395= (NM_001354898.2); c.7176T>G, p.Ser2392= (NM_001354899.2); c.7137T>G, p.Ser2379= (NM_001354900.2); c.7083T>G, p.Ser2361= (NM_001354901.2, NM_001407453.1); and 11 more.
Identifiers: ClinVar variation 3254092 (VCV003254092.1), dbSNP rs755501155.
Genomic context (GRCh38, chr5:112,842,854, plus strand): 5'-ACTAAATCAGATGAATAATGGTAATGGAGCCAATAAAAAGGTAGAACTTTCTAGAATGTC[T>G]TCAACTAAATCAAGTGGAAGTGAATCTGATAGATCAGAAAGACCTGTATTAGTACGCCAG-3'
Protein context (NP_000029.2, residues 2410-2430): ANKKVELSRM[Ser2420=]STKSSGSESD

ClinVar aggregate classification (germline): Benign (1 of 4 stars; one submission).

Conditions:
Familial adenomatous polyposis 1 (FAP1). Also called: FAMILIAL ADENOMATOUS POLYPOSIS 1, ATTENUATED; POLYPOSIS, ADENOMATOUS INTESTINAL. Identifiers: MedGen C2713442, MONDO:0021056, OMIM 175100. Disease mechanism: loss of function.

Submission:

Myriad Genetics, Inc.
Classification: Benign for Familial adenomatous polyposis 1. Last evaluated: 2024-04-09. Review status: criteria provided, single submitter. Criteria: Myriad Autosomal Dominant, Autosomal Recessive and X-Linked Classification Criteria (2023). Collection method: clinical testing. Allele origin: unknown.
Comment: This variant is considered benign. This variant is a silent/synonymous amino acid change and it is not expected to impact splicing.